The following is an entry in ClinVar:

NM_015910.7(WDPCP):c.147C>G (p.Thr49=)

Gene: WDPCP (WD repeat containing planar cell polarity effector; minus strand). Cytogenetic location: 2p15.
Variant type: single nucleotide variant.
Coding change: c.147C>G on transcript NM_015910.7 (MANE Select); coding-DNA position 147, C replaced by G.
Protein change: p.Thr49=; no amino-acid change (threonine 49 retained).
Molecular consequence: synonymous variant. On other transcripts: non-coding transcript variant (2).
Genome position (GRCh38, 1-based): chr2:63,492,869, G>C on the plus strand (C>G on the coding strand, the complement: WDPCP is on the minus strand). VCF-style: chr2-63492869-G-C. GRCh37 (hg19) VCF-style: chr2-63720003-G-C.
Other names: c.75C>G, p.Thr25= (NM_001354044.2); c.147C>G, p.Thr49= (NM_001354045.2).
Identifiers: ClinVar variation 5000521 (VCV005000521.1).

ClinVar aggregate classification (germline): Likely benign (1 of 4 stars; one submission).

Conditions:
WDPCP-related disorder. Also called: WDPCP-related condition.

Submission:

PreventionGenetics, part of Exact Sciences
Classification: Likely benign for WDPCP-related condition. Last evaluated: 2024-10-13. Review status: criteria provided, single submitter. Criteria: ACMG Guidelines, 2015. Collection method: clinical testing. Allele origin: germline.
Comment: This variant is classified as likely benign based on ACMG/AMP sequence variant interpretation guidelines (Richards et al. 2015 PMID: 25741868, with internal and published modifications).